The following is an entry in ClinVar:

NM_001384732.1(CPLANE1):c.4640A>G (p.Asp1547Gly)

Gene: CPLANE1 (ciliogenesis and planar polarity effector complex subunit 1; minus strand). Cytogenetic location: 5p13.2.
Variant type: single nucleotide variant.
Coding change: c.4640A>G on transcript NM_001384732.1 (MANE Select); coding-DNA position 4640, A replaced by G.
Protein change: p.Asp1547Gly; replaces aspartic acid 1547 with glycine.
Molecular consequence: missense variant.
Genome position (GRCh38, 1-based): chr5:37,183,541, T>C on the plus strand (A>G on the coding strand, the complement: CPLANE1 is on the minus strand). VCF-style: chr5-37183541-T-C. GRCh37 (hg19) VCF-style: chr5-37183643-T-C.
Other names: c.4640A>G, p.Asp1547Gly (NM_023073.4); short protein forms D1547G.
Identifiers: ClinVar variation 2083821 (VCV002083821.4), dbSNP rs2547836625, ClinGen allele CA359497398.
Genomic context (GRCh38, chr5:37,183,541, plus strand): 5'-GGTAGGTCTCTTTCAAGAATGTAACTCAAAAACAGATCAAGGAATTTAATATATTCATCA[T>C]CATCACGTTCAAATTCCCAAACACCTATTACAGGAAGTGTATTTTGTGATAACTTTTCAT-3'
Protein context (NP_001371661.1, residues 1537-1557): VIGVWEFERD[Asp1547Gly]DEYIKFLDLF

ClinVar aggregate classification (germline): Uncertain significance (1 of 4 stars; one submission).

Submission:

Labcorp Genetics (formerly Invitae), Labcorp
Classification: Uncertain significance. Last evaluated: 2022-04-01. Review status: criteria provided, single submitter. Criteria: Invitae Variant Classification Sherloc (09022015). Collection method: clinical testing. Allele origin: germline.
Comment: In summary, the available evidence is currently insufficient to determine the role of this variant in disease. Therefore, it has been classified as a Variant of Uncertain Significance. Advanced modeling of protein sequence and biophysical properties (such as structural, functional, and spatial information, amino acid conservation, physicochemical variation, residue mobility, and thermodynamic stability) performed at Invitae indicates that this missense variant is expected to disrupt CPLANE1 protein function. This variant has not been reported in the literature in individuals affected with CPLANE1-related conditions. This variant is not present in population databases (gnomAD no frequency). This sequence change replaces aspartic acid, which is acidic and polar, with glycine, which is neutral and non-polar, at codon 1547 of the CPLANE1 protein (p.Asp1547Gly).